The following is an entry in ClinVar:

ClinVar aggregate classification (germline): Conflicting classifications of pathogenicity. Review status: criteria provided, conflicting classifications (1 of 4 stars). 3 submissions from 3 submitters: Pathogenic (2); Uncertain significance (1). Last evaluated 2025-12-23.

Conditions:
Familial hemophagocytic lymphohistiocytosis 3 (FHL3). Also called: UNC13D-Related Familial Hemophagocytic Lymphohistiocytosis (UNC13D-fHLH). Identifiers: Orphanet 540, MedGen C1837174, MONDO:0012146, OMIM 608898.
UNC13D-related disorder. Also called: UNC13D-related condition.

Submissions (3):

Labcorp Genetics (formerly Invitae), Labcorp
Classification: Pathogenic for Familial hemophagocytic lymphohistiocytosis 3. Last evaluated: 2025-12-23. Review status: criteria provided, single submitter. Criteria: Invitae Variant Classification Sherloc (09022015). Collection method: clinical testing. Allele origin: germline.
Comment: This sequence change creates a premature translational stop signal (p.Gln766*) in the UNC13D gene. It is expected to result in an absent or disrupted protein product. Loss-of-function variants in UNC13D are known to be pathogenic (PMID: 14622600). This variant is not present in population databases (gnomAD no frequency). This premature translational stop signal has been observed in individual(s) with clinical features of hemophagocytic lymphohistiocytosis (PMID: 34339548). ClinVar contains an entry for this variant (Variation ID: 2736658). Algorithms developed to predict the effect of sequence changes on RNA splicing suggest that this variant may disrupt the consensus splice site. For these reasons, this variant has been classified as Pathogenic.

Genesolutions, Medical Genetics Institutes, Ho Chi Minh City, Vietnam
Classification: Uncertain significance for Familial hemophagocytic lymphohistiocytosis 3. Last evaluated: 2025-09-24. Review status: criteria provided, single submitter. Criteria: ACMG Guidelines, 2015. Collection method: clinical testing. Allele origin: germline. Affected: yes.

Blueprint Genetics
Classification: Pathogenic for UNC13D-related disorders. Last evaluated: 2023-06-14. Review status: criteria provided, single submitter. Criteria: ACMG Guidelines, 2015. Collection method: clinical testing. Allele origin: germline. Affected: yes. Observed: 1 variant allele.

Literature cited by the submitters: PubMed 14622600 (cited by Labcorp Genetics (formerly Invitae), Labcorp); PubMed 34339548 (cited by Labcorp Genetics (formerly Invitae), Labcorp).

NM_199242.3(UNC13D):c.2296C>T (p.Gln766Ter)

Gene: UNC13D (unc-13 homolog D; minus strand). Cytogenetic location: 17q25.1.
Variant type: single nucleotide variant.
Coding change: c.2296C>T on transcript NM_199242.3 (MANE Select); coding-DNA position 2296, C replaced by T.
Protein change: p.Gln766Ter; replaces glutamine 766 with a stop codon.
Molecular consequence: nonsense.
Genome position (GRCh38, 1-based): chr17:75,834,327, G>A on the plus strand (C>T on the coding strand, the complement: UNC13D is on the minus strand). VCF-style: chr17-75834327-G-A. GRCh37 (hg19) VCF-style: chr17-73830408-G-A.
Other names: short protein forms Q766*.
Identifiers: ClinVar variation 2736658 (VCV002736658.5), dbSNP rs375472517, ClinGen allele CA294086316.